The following is an entry in ClinVar:

NM_001374828.1(ARID1B):c.513C>T (p.His171=)

Genes: ARID1B (AT-rich interaction domain 1B; plus strand), LOC115308161 (uncharacterized LOC115308161; minus strand). Cytogenetic location: 6q25.3.
Variant type: single nucleotide variant.
Coding change: c.513C>T on transcript NM_001374828.1 (MANE Select); coding-DNA position 513, C replaced by T.
Protein change: p.His171=; no amino-acid change (histidine 171 retained).
Molecular consequence: synonymous variant.
Genome position (GRCh38, 1-based): chr6:156,778,193, C>T. VCF-style: chr6-156778193-C-T. GRCh37 (hg19) VCF-style: chr6-157099327-C-T.
Other names: c.264C>T, p.His88= (NM_001346813.1, NM_020732.3); c.513C>T, p.His171= (NM_001371656.1, NM_001374820.1, NM_017519.3); c.90C>T, p.His30= (NM_175863.2).
Identifiers: ClinVar variation 1794303 (VCV001794303.10), dbSNP rs1440301934, ClinGen allele CA452988790.

ClinVar aggregate classification (germline): Likely benign. Review status: criteria provided, multiple submitters, no conflicts (2 of 4 stars). 4 submissions from 4 submitters: Likely benign (4). Last evaluated 2026-05-01.

Conditions:
Inborn genetic diseases. Identifiers: MedGen C0950123, MeSH D030342.

Allele frequency attached by ClinVar (database versions not stated): TOPMed 0.00001; gnomAD 0.00006.
gnomAD v4.1: 41 of 1,540,150 alleles (0.0027%); highest among the groups gnomAD compares: African/African-American, 0.034%; no homozygotes.

Submissions (4):

CeGaT Center for Human Genetics Tuebingen
Classification: Likely benign. Last evaluated: 2026-05-01. Review status: criteria provided, single submitter. Criteria: CeGaT Center For Human Genetics Tuebingen Variant Classification Criteria Version 2. Collection method: clinical testing. Allele origin: germline. Affected: yes. Observed: 1 variant allele.
Comment: ARID1B: BP4, BP7

Labcorp Genetics (formerly Invitae), Labcorp
Classification: Likely benign. Last evaluated: 2025-11-09. Review status: criteria provided, single submitter. Criteria: Invitae Variant Classification Sherloc (09022015). Collection method: clinical testing. Allele origin: germline.

Blueprint Genetics
Classification: Likely benign. Last evaluated: 2023-12-18. Review status: criteria provided, single submitter. Criteria: ACMG Guidelines, 2015. Collection method: clinical testing. Allele origin: germline.

Ambry Genetics
Classification: Likely benign for Inborn genetic diseases. Last evaluated: 2018-02-01. Review status: criteria provided, single submitter. Criteria: Ambry Variant Classification Scheme 2023. Collection method: clinical testing. Allele origin: germline.